The following is an entry in ClinVar:

ClinVar aggregate classification (germline): Conflicting classifications of pathogenicity. Review status: criteria provided, conflicting classifications (1 of 4 stars). 2 submissions from 2 submitters: Uncertain significance (1); Likely benign (1). Last evaluated 2025-07-27.

Conditions:
Cardiovascular phenotype. Identifiers: MedGen CN230736.
Osteogenesis imperfecta type I (OI1). Also called: Classic Non-deforming Osteogenesis Imperfecta with Blue Sclerae; OI, TYPE I; OSTEOGENESIS IMPERFECTA TARDA; OSTEOGENESIS IMPERFECTA WITH BLUE SCLERAE; Osteogenesis imperfecta type 1; Lobstein's Disease. Identifiers: Orphanet 216796, Orphanet 666, MedGen C0023931, MONDO:0008146, OMIM 166200. Disease mechanism: loss of function.

Allele frequency attached by ClinVar (database versions not stated): gnomAD exomes below 0.00001.

Submissions (2):

Labcorp Genetics (formerly Invitae), Labcorp
Classification: Likely benign for Osteogenesis imperfecta type I. Last evaluated: 2025-07-27. Review status: criteria provided, single submitter. Criteria: Invitae Variant Classification Sherloc (09022015). Collection method: clinical testing. Allele origin: germline.

Ambry Genetics
Classification: Uncertain significance for Cardiovascular phenotype. Last evaluated: 2021-10-21. Review status: criteria provided, single submitter. Criteria: Ambry Variant Classification Scheme 2023. Collection method: clinical testing. Allele origin: germline.
Comment: The p.V1223M variant (also known as c.3667G>A), located in coding exon 48 of the COL1A1 gene, results from a G to A substitution at nucleotide position 3667. The valine at codon 1223 is replaced by methionine, an amino acid with highly similar properties. This amino acid position is well conserved in available vertebrate species. In addition, the in silico prediction for this alteration is inconclusive. Since supporting evidence is limited at this time, the clinical significance of this alteration remains unclear.

NM_000088.4(COL1A1):c.3667G>A (p.Val1223Met)

Gene: COL1A1 (collagen type I alpha 1 chain; minus strand). Cytogenetic location: 17q21.33.
Variant type: single nucleotide variant.
Coding change: c.3667G>A on transcript NM_000088.4 (MANE Select); coding-DNA position 3667, G replaced by A.
Protein change: p.Val1223Met; replaces valine 1223 with methionine.
Molecular consequence: missense variant.
Genome position (GRCh38, 1-based): chr17:50,186,787, C>T on the plus strand (G>A on the coding strand, the complement: COL1A1 is on the minus strand). VCF-style: chr17-50186787-C-T. GRCh37 (hg19) VCF-style: chr17-48264148-C-T.
Other names: short protein forms V1223M.
Identifiers: ClinVar variation 1733736 (VCV001733736.3), dbSNP rs1402759053, ClinGen allele CA400197309.
Genomic context (GRCh38, chr17:50,186,787, plus strand): 5'-CGATCTGCTGGCTCAGGCTCTTGAGGGTGGTGTCCACCTCGAGGTCACGGTCACGAACCA[C>T]ATTGGCATCATCAGCCCGGTAGTAGCGGCCACCATCGTGAGCCTTCTCTTGAGGTGGCTG-3'
Protein context (NP_000079.2, residues 1213-1233): GRYYRADDAN[Val1223Met]VRDRDLEVDT